The following is an entry in ClinVar:

NM_000051.4(ATM):c.3285-15C>T

Gene: ATM (ATM serine/threonine kinase; plus strand). Cytogenetic location: 11q22.3.
Variant type: single nucleotide variant.
Coding change: c.3285-15C>T on transcript NM_000051.4 (MANE Select); 15 bases into the intron before coding-DNA position 3285, C replaced by T.
Molecular consequence: intron variant.
Genome position (GRCh38, 1-based): chr11:108,279,476, C>T. VCF-style: chr11-108279476-C-T. GRCh37 (hg19) VCF-style: chr11-108150203-C-T.
Other names: c.3285-15C>T (NM_001351834.2).
Identifiers: ClinVar variation 379580 (VCV000379580.15), dbSNP rs770928986, ClinGen allele CA6265256.

ClinVar aggregate classification (germline): Benign/Likely benign. Review status: criteria provided, multiple submitters, no conflicts (2 of 4 stars). 6 submissions from 6 submitters: Benign (2); Likely benign (3). 1 of the submissions does not count toward it. Last evaluated 2026-01-19.

Conditions:
Hereditary cancer-predisposing syndrome. Also called: Hereditary neoplastic syndrome; Tumor predisposition; Neoplastic Syndromes, Hereditary; Hereditary Cancer Syndrome. Identifiers: Orphanet 140162, MedGen C0027672, MeSH D009386, MONDO:0015356.
Familial cancer of breast. Also called: Hereditary breast cancer; BREAST CANCER, FAMILIAL; hereditary breast carcinoma. Identifiers: Orphanet 227535, MedGen C0346153, MONDO:0016419, OMIM 114480. Disease mechanism: loss of function.
Ataxia-telangiectasia syndrome (AT). Also called: LOUIS-BAR SYNDROME; ATAXIA-TELANGIECTASIA, COMPLEMENTATION GROUP A; ATAXIA-TELANGIECTASIA, FRESNO VARIANT; Ataxia-telangiectasia; Ataxia telangiectasia (A-T); Cerebello-oculocutaneous telangiectasia. Identifiers: Orphanet 100, MedGen C0004135, MONDO:0008840, OMIM 208900.

Allele frequency attached by ClinVar (database versions not stated): gnomAD 0.00001 and 0.00002; gnomAD exomes 0.00001 and 0.00006; ExAC 0.00002; TOPMed 0.00006.
gnomAD v4.1: 23 of 1,550,332 alleles (0.0015%); highest among the groups gnomAD compares: Middle Eastern, 0.033%; no homozygotes.

Submissions (6):

Labcorp Genetics (formerly Invitae), Labcorp
Classification: Likely benign for Ataxia-telangiectasia syndrome. Last evaluated: 2026-01-19. Review status: criteria provided, single submitter. Criteria: Invitae Variant Classification Sherloc (09022015). Collection method: clinical testing. Allele origin: germline.

Myriad Genetics, Inc.
Classification: Benign for Familial cancer of breast. Last evaluated: 2025-04-30. Review status: criteria provided, single submitter. Criteria: Myriad Autosomal Dominant, Autosomal Recessive and X-Linked Classification Criteria (2023). Collection method: clinical testing. Allele origin: unknown.
Comment: This variant is considered benign. This variant is intronic and is not expected to impact mRNA splicing. This variant is strongly associated with less severe personal and family histories of cancer, typical for individuals without pathogenic variants in this gene [PMID: 25085752].

ARUP Laboratories, Molecular Genetics and Genomics, ARUP Laboratories
Classification: Likely benign. Last evaluated: 2025-03-27. Review status: criteria provided, single submitter. Criteria: ARUP Molecular Germline Variant Investigation Process 2024. Collection method: clinical testing. Allele origin: germline.

Color Diagnostics, LLC DBA Color Health
Classification: Likely benign for Hereditary cancer-predisposing syndrome. Last evaluated: 2017-06-02. Review status: criteria provided, single submitter. Criteria: ACMG Guidelines, 2015. Collection method: clinical testing. Allele origin: germline.

GeneDx
Classification: Benign. Last evaluated: 2015-08-07. Review status: criteria provided, single submitter. Criteria: GeneDx Variant Classification (06012015). Collection method: clinical testing. Allele origin: germline. Affected: yes.
Comment: This variant is considered likely benign or benign based on one or more of the following criteria: it is a conservative change, it occurs at a poorly conserved position in the protein, it is predicted to be benign by multiple in silico algorithms, and/or has population frequency not consistent with disease.

Department of Pathology and Laboratory Medicine, Sinai Health System
Classification: Likely benign. Review status: no assertion criteria provided. Collection method: clinical testing. Allele origin: unknown. Affected: yes. Study: The Canadian Open Genetics Repository (COGR). Not counted in ClinVar's aggregate classification.
Comment: The ATM c.3285-15C>T variant was not identified in the literature nor was it identified in the following databases: GeneInsight-COGR, Cosmic, MutDB, LOVD 3.0, or ATM-LOVD. The variant was identified in dbSNP (ID: rs770928986) as "With Benign allele", ClinVar (1x benign, 1x likely benign), and Clinvitae (1x benign). The variant was identified in control databases in 15 of 238752 chromosomes at a frequency of 0.00006 (Genome Aggregation Database Feb 27, 2017). Breakdown of the observations by population include Latino in 13 of 30880 chromosomes (freq: 0.0004) and European in 2 of 102914 chromosomes (freq: 0.00002), while the variant was not observed in the African, Other, Ashkenazi Jewish, East Asian, Finnish, or South Asian populations. The variant occurs outside of the splicing consensus sequence and 1 of 5 in silico or computational prediction software programs (SpliceSiteFinder, MaxEntScan, NNSPLICE, GeneSplicer, HumanSpliceFinder) predict a greater than 10% difference in splicing; this is not very predictive of pathogenicity. In summary, based on the above information the clinical significance of this variant cannot be determined with certainty at this time although we would lean towards a more benign role for this variant. This variant is classified as likely benign.

Literature cited by the submitters: PubMed 25085752 (cited by Myriad Genetics, Inc.).